The following is an entry in ClinVar:

NM_003482.4(KMT2D):c.6508del (p.Gln2170fs)

Gene: KMT2D (lysine methyltransferase 2D; minus strand). Cytogenetic location: 12q13.12.
Variant type: Deletion.
Coding change: c.6508del on transcript NM_003482.4 (MANE Select); coding-DNA position 6508, one base deleted (C; older notation c.6508delC).
Protein change: p.Gln2170fs; shifts the reading frame from glutamine 2170.
Molecular consequence: frameshift variant.
Genome position (GRCh38, 1-based): chr12:49,041,262, G deleted on the plus strand (C on the coding strand, the reverse complement: KMT2D is on the minus strand); the first of 3 consecutive G bases (chr12:49,041,262-49,041,264); deleting any one gives the same sequence. VCF-style (leftmost placement, unchanged base first): chr12-49041261-TG-T. GRCh37 (hg19) VCF-style: chr12-49435044-TG-T.
Other names: c.6508delC (NM_003482.3); short protein forms Q2170fs.
Identifiers: ClinVar variation 644609 (VCV000644609.6), dbSNP rs1592137369, ClinGen allele CA915948403.

ClinVar aggregate classification (germline): Pathogenic (1 of 4 stars; one submission).

Conditions:
Kabuki syndrome. Also called: NIIKAWA-KUROKI SYNDROME; Kabuki make-up syndrome. Identifiers: Orphanet 2322, MedGen C0796004, MONDO:0016512.

Submission:

Labcorp Genetics (formerly Invitae), Labcorp
Classification: Pathogenic for Kabuki syndrome. Last evaluated: 2024-01-10. Review status: criteria provided, single submitter. Criteria: Invitae Variant Classification Sherloc (09022015). Collection method: clinical testing. Allele origin: germline.
Comment: This sequence change creates a premature translational stop signal (p.Gln2170Lysfs*94) in the KMT2D gene. It is expected to result in an absent or disrupted protein product. Loss-of-function variants in KMT2D are known to be pathogenic (PMID: 22126750). This variant is not present in population databases (gnomAD no frequency). This variant has not been reported in the literature in individuals affected with KMT2D-related conditions. ClinVar contains an entry for this variant (Variation ID: 644609). For these reasons, this variant has been classified as Pathogenic.

Literature cited by the submitters: PubMed 22126750.